The following is an entry in ClinVar:

NM_001376.5(DYNC1H1):c.10332C>T (p.Ile3444=)

Gene: DYNC1H1 (dynein cytoplasmic 1 heavy chain 1; plus strand). Cytogenetic location: 14q32.31.
Variant type: single nucleotide variant.
Coding change: c.10332C>T on transcript NM_001376.5 (MANE Select); coding-DNA position 10332, C replaced by T.
Protein change: p.Ile3444=; no amino-acid change (isoleucine 3444 retained).
Molecular consequence: synonymous variant.
Genome position (GRCh38, 1-based): chr14:102,033,403, C>T. VCF-style: chr14-102033403-C-T. GRCh37 (hg19) VCF-style: chr14-102499740-C-T.
Identifiers: ClinVar variation 697545 (VCV000697545.12), dbSNP rs145087182, ClinGen allele CA7353392.

ClinVar aggregate classification (germline): Likely benign. Review status: criteria provided, multiple submitters, no conflicts (2 of 4 stars). 3 submissions from 3 submitters: Likely benign (2). 1 of the submissions does not count toward it. Last evaluated 2025-12-01.

Conditions:
DYNC1H1-related disorder. Also called: DYNC1H1-related disorders; DYNC1H1-related condition. Identifiers: MedGen CN381529.
Charcot-Marie-Tooth disease axonal type 2O. Also called: Charcot-Marie-Tooth Neuropathy Type 2O; CHARCOT-MARIE-TOOTH NEUROPATHY, AXONAL, TYPE 2O; CHARCOT-MARIE-TOOTH DISEASE, AXONAL, AUTOSOMAL DOMINANT, TYPE 2O; Charcot-Marie-Tooth disease, axonal, type 20. Identifiers: Orphanet 284232, MedGen C3280220, MONDO:0013644, OMIM 614228.

Allele frequency attached by ClinVar (database versions not stated): gnomAD exomes 0.00004 and 0.00006; ExAC 0.00008; ESP Exome Variant Server 0.00008; gnomAD 0.00011 and 0.00014; TOPMed 0.00020.
gnomAD v4.1: 87 of 1,614,112 alleles (0.0054%); highest among the groups gnomAD compares: Middle Eastern, 0.066%; no homozygotes.

Submissions (3):

Labcorp Genetics (formerly Invitae), Labcorp
Classification: Likely benign for Charcot-Marie-Tooth disease axonal type 2O. Last evaluated: 2025-12-01. Review status: criteria provided, single submitter. Criteria: Invitae Variant Classification Sherloc (09022015). Collection method: clinical testing. Allele origin: germline.

Blueprint Genetics
Classification: Likely benign. Last evaluated: 2024-11-05. Review status: criteria provided, single submitter. Criteria: ACMG Guidelines, 2015. Collection method: clinical testing. Allele origin: germline.

PreventionGenetics, part of Exact Sciences
Classification: Likely benign for DYNC1H1-related condition. Last evaluated: 2022-12-01. Review status: no assertion criteria provided. Collection method: clinical testing. Allele origin: germline. Not counted in ClinVar's aggregate classification.
Comment: This variant is classified as likely benign based on ACMG/AMP sequence variant interpretation guidelines (Richards et al. 2015 PMID: 25741868, with internal and published modifications).